The following is an entry in ClinVar:

NM_003072.5(SMARCA4):c.4157A>G (p.Lys1386Arg)

Gene: SMARCA4 (SWI/SNF related BAF chromatin remodeling complex subunit ATPase 4; plus strand). Cytogenetic location: 19p13.2.
Variant type: single nucleotide variant.
Coding change: c.4157A>G on transcript NM_003072.5 (MANE Select); coding-DNA position 4157, A replaced by G.
Protein change: p.Lys1386Arg; replaces lysine 1386 with arginine.
Molecular consequence: missense variant. On other transcripts: non-coding transcript variant (1).
Genome position (GRCh38, 1-based): chr19:11,035,119, A>G. VCF-style: chr19-11035119-A-G. GRCh37 (hg19) VCF-style: chr19-11145795-A-G.
Other names: c.4157A>G, p.Lys1386Arg (NM_001128844.3, NM_001128849.3, NM_001387283.1); c.4058A>G, p.Lys1353Arg (NM_001128845.2, NM_001128846.2, NM_001128847.4 and 3 more transcripts); short protein forms K1353R, K1386R.
Identifiers: ClinVar variation 1738300 (VCV001738300.2), dbSNP rs2515357291, ClinGen allele CA404068673.
Genomic context (GRCh38, chr19:11,035,119, plus strand): 5'-TGTTCGGCCGTGGCTCCCGCCACCGCAAGGAGGTGGACTACAGCGACTCACTGACGGAGA[A>G]GCAGTGGCTCAAGGTACATGCTGGAGAGGCCCAGCAGCTGCCGCAGGCCAGCGCCAGGCA-3'
Protein context (NP_003063.2, residues 1376-1396): EVDYSDSLTE[Lys1386Arg]QWLKAIEEGT

ClinVar aggregate classification (germline): Uncertain significance (1 of 4 stars; one submission).

Conditions:
Hereditary cancer-predisposing syndrome. Also called: Neoplastic Syndromes, Hereditary; Tumor predisposition; Hereditary Cancer Syndrome; Hereditary neoplastic syndrome. Identifiers: Orphanet 140162, MedGen C0027672, MeSH D009386, MONDO:0015356.

Allele frequency attached by ClinVar (database versions not stated): gnomAD exomes below 0.00001.
gnomAD v4.1: 1 of 1,612,412 alleles (0.000062%); highest among the groups gnomAD compares: African/African-American, 0.0013%; no homozygotes.

Submission:

Ambry Genetics
Classification: Uncertain significance for Hereditary cancer-predisposing syndrome. Last evaluated: 2022-10-21. Review status: criteria provided, single submitter. Criteria: Ambry Variant Classification Scheme 2023. Collection method: clinical testing. Allele origin: germline.
Comment: The p.K1386R variant (also known as c.4157A>G), located in coding exon 28 of the SMARCA4 gene, results from an A to G substitution at nucleotide position 4157. The lysine at codon 1386 is replaced by arginine, an amino acid with highly similar properties. This amino acid position is highly conserved in available vertebrate species. In addition, the in silico prediction for this alteration is inconclusive. Missense and in-frame variants in SMARCA4 are known to cause neurodevelopmental disorders; however, such associations with rhabdoid tumor predisposition syndrome including small cell carcinoma of the ovary-hypercalcemic type (SCCOHT) are exceedingly rare (Kosho T et al. Am J Med Genet C Semin Med Genet. 2014 Sep;166C(3):262-75; Jelinic P et al. Nat Genet. 2014 May;46(5):424-6). Based on the supporting evidence, the association of this alteration with Coffin-Siris syndrome is unknown; however, the association of this alteration with rhabdoid tumor predisposition syndrome is unlikely.